The following is an entry in ClinVar:

NM_025144.4(ALPK1):c.3035G>A (p.Ser1012Asn)

Gene: ALPK1 (alpha kinase 1; plus strand). Cytogenetic location: 4q25.
Variant type: single nucleotide variant.
Coding change: c.3035G>A on transcript NM_025144.4 (MANE Select); coding-DNA position 3035, G replaced by A.
Protein change: p.Ser1012Asn; replaces serine 1012 with asparagine.
Molecular consequence: missense variant.
Genome position (GRCh38, 1-based): chr4:112,435,148, G>A. VCF-style: chr4-112435148-G-A. GRCh37 (hg19) VCF-style: chr4-113356304-G-A.
Other names: c.3035G>A, p.Ser1012Asn (NM_001102406.2); c.2801G>A, p.Ser934Asn (NM_001253884.2); short protein forms S1012N, S934N.
Identifiers: ClinVar variation 3020270 (VCV003020270.3), dbSNP rs1560689631, ClinGen allele CA357904282.
Genomic context (GRCh38, chr4:112,435,148, plus strand): 5'-ATTCATGAATTGTAACGTCCTTTTGAAAATAAGATTCATTTTCATCTTTTTTTTTCCCAG[G>A]TGCTCTTTTGTTAAAATATTCAAAAAAATCTGAACTGTGGACGGCCCAGGAAACTATTGT-3'
Protein context (NP_079420.3, residues 1002-1022): FKPSQLHRAH[Ser1012Asn]ALLLKYSKKS

ClinVar aggregate classification (germline): Uncertain significance (1 of 4 stars; one submission).

Allele frequency attached by ClinVar (database versions not stated): TOPMed below 0.00001; gnomAD exomes below 0.00001.
gnomAD v4.1: 2 of 1,594,530 alleles (0.00013%); highest among the groups gnomAD compares: Admixed American, 0.0037%; no homozygotes.

Submission:

Labcorp Genetics (formerly Invitae), Labcorp
Classification: Uncertain significance. Last evaluated: 2025-08-06. Review status: criteria provided, single submitter. Criteria: Invitae Variant Classification Sherloc (09022015). Collection method: clinical testing. Allele origin: germline.
Comment: This sequence change replaces serine, which is neutral and polar, with asparagine, which is neutral and polar, at codon 1012 of the ALPK1 protein (p.Ser1012Asn). This variant is present in population databases (no rsID available, gnomAD 0.007%). This variant has not been reported in the literature in individuals affected with ALPK1-related conditions. ClinVar contains an entry for this variant (Variation ID: 3020270). An algorithm developed to predict the effect of missense changes on protein structure and function outputs the following: PolyPhen-2: "Benign". The asparagine amino acid residue is found in multiple mammalian species, which suggests that this missense change does not adversely affect protein function. In summary, the available evidence is currently insufficient to determine the role of this variant in disease. Therefore, it has been classified as a Variant of Uncertain Significance.